The following is an entry in ClinVar:

ClinVar aggregate classification (germline): Likely benign. Review status: criteria provided, multiple submitters, no conflicts (2 of 4 stars). 3 submissions from 3 submitters: Likely benign (3). Last evaluated 2025-12-16.

Conditions:
Developmental and epileptic encephalopathy 94 (DEE94). Also called: Epileptic encephalopathy, childhood-onset; CHD2-Related Neurodevelopmental Disorders. Identifiers: Orphanet 1942, Orphanet 2382, MedGen C3809278, MONDO:0014150, OMIM 615369.

Allele frequency attached by ClinVar (database versions not stated): gnomAD 0.00001 and 0.00002; ExAC 0.00002; gnomAD exomes 0.00002; TOPMed 0.00002.
gnomAD v4.1: 37 of 1,614,002 alleles (0.0023%); highest among the groups gnomAD compares: Admixed American, 0.0067%; no homozygotes.

Submissions (3):

Labcorp Genetics (formerly Invitae), Labcorp
Classification: Likely benign for Developmental and epileptic encephalopathy 94. Last evaluated: 2025-12-16. Review status: criteria provided, single submitter. Criteria: Invitae Variant Classification Sherloc (09022015). Collection method: clinical testing. Allele origin: germline.

Blueprint Genetics
Classification: Likely benign. Last evaluated: 2019-08-27. Review status: criteria provided, single submitter. Criteria: ACMG Guidelines, 2015. Collection method: clinical testing. Allele origin: germline.

GeneDx
Classification: Likely benign. Last evaluated: 2017-03-15. Review status: criteria provided, single submitter. Criteria: GeneDx Variant Classification (06012015). Collection method: clinical testing. Allele origin: germline. Affected: yes.
Comment: This variant is considered likely benign or benign based on one or more of the following criteria: it is a conservative change, it occurs at a poorly conserved position in the protein, it is predicted to be benign by multiple in silico algorithms, and/or has population frequency not consistent with disease.

NM_001271.4(CHD2):c.3744A>G (p.Leu1248=)

Gene: CHD2 (chromodomain helicase DNA binding protein 2; plus strand). Cytogenetic location: 15q26.1.
Variant type: single nucleotide variant.
Coding change: c.3744A>G on transcript NM_001271.4 (MANE Select); coding-DNA position 3744, A replaced by G.
Protein change: p.Leu1248=; no amino-acid change (leucine 1248 retained).
Molecular consequence: synonymous variant.
Genome position (GRCh38, 1-based): chr15:92,997,262, A>G. VCF-style: chr15-92997262-A-G. GRCh37 (hg19) VCF-style: chr15-93540492-A-G.
Identifiers: ClinVar variation 517795 (VCV000517795.13), dbSNP rs778897064, ClinGen allele CA7748303.